The following is an entry in ClinVar:

ClinVar aggregate classification (germline): Pathogenic (1 of 4 stars; one submission).

Conditions:
Alkaptonuria (AKU). Also called: Homogentisic acidura; Alkaptonuric ochronosis; HOMOGENTISIC ACID OXIDASE DEFICIENCY; Alcaptonuria. Identifiers: Orphanet 56, MedGen C0002066, MONDO:0008753, OMIM 203500.

Submission:

Department Of Human Genetics, Institute Of Clinical And Translational Research, Biomedical Research Center, Slovak Academy Of Sciences
Classification: Pathogenic for Alkaptonuria. Review status: criteria provided, single submitter. Criteria: ACMG Guidelines, 2015. Collection method: research. Allele origin: germline. Inheritance: Autosomal recessive inheritance. Affected: yes.
Comment: It has been submitted to the HGD gene mutation database (DB-ID: AKU_00076).

NM_000187.4(HGD):c.859_860delinsAT (p.Ser287Ile)

Gene: HGD (homogentisate 1,2-dioxygenase; minus strand). Cytogenetic location: 3q13.33.
Variant type: Indel.
Coding change: c.859_860delinsAT on transcript NM_000187.4 (MANE Select); coding-DNA positions 859 to 860, TC replaced by AT.
Protein change: p.Ser287Ile; replaces serine 287 with isoleucine.
Molecular consequence: missense variant.
Genome position (GRCh38, 1-based): chr3:120,641,608-120,641,609, GA replaced by AT on the plus strand (TC replaced by AT on the coding strand, the reverse complement: HGD is on the minus strand). VCF-style: chr3-120641608-GA-AT. GRCh37 (hg19) VCF-style: chr3-120360455-GA-AT.
Other names: short protein forms S287I.
Identifiers: ClinVar variation 5037929 (VCV005037929.1).
Genomic context (GRCh38, chr3:120,641,608, plus strand): 5'-GCGTTGCCTCATCCCAAGGCCCCTACAGGGTTCAGACTTACTGCATGGTCAAAGGCCACT[GA>AT]GTTGATAACCATGAAATTCTTCAGGTTGTACTTGTAGGGTGTATAATTCCCGTGCCAGGC-3'
Protein context (NP_000178.2, residues 277-297): YNLKNFMVIN[Ser287Ile]VAFDHADPSI